The following is an entry in ClinVar:

NM_005430.4(WNT1):c.397G>A (p.Ala133Thr)

Gene: WNT1 (Wnt family member 1; plus strand). Cytogenetic location: 12q13.12.
Variant type: single nucleotide variant.
Coding change: c.397G>A on transcript NM_005430.4 (MANE Select); coding-DNA position 397, G replaced by A.
Protein change: p.Ala133Thr; replaces alanine 133 with threonine.
Molecular consequence: missense variant.
Genome position (GRCh38, 1-based): chr12:48,980,462, G>A. VCF-style: chr12-48980462-G-A. GRCh37 (hg19) VCF-style: chr12-49374245-G-A.
Other names: short protein forms A133T.
Identifiers: ClinVar variation 3336151 (VCV003336151.3).

ClinVar aggregate classification (germline): Likely pathogenic. Review status: criteria provided, multiple submitters, no conflicts (2 of 4 stars). 3 submissions from 3 submitters: Likely pathogenic (3). Last evaluated 2024-05-06.

Conditions:
Osteogenesis imperfecta (OI). Identifiers: Orphanet 666, MedGen C0029434, MeSH D010013, MONDO:0019019.
Osteogenesis imperfecta type 15. Also called: WNT1-related osteogenesis imperfecta; Osteogenesis imperfecta, type xv; OI, TYPE XV. Identifiers: Orphanet 666, MedGen C3808844, MONDO:0014086, OMIM 615220.
OSTEOPOROSIS, EARLY-ONSET, SUSCEPTIBILITY TO (BMND16). Also called: Bone mineral density quantitative trait locus 16. Identifiers: Orphanet 85193, MedGen C3714945, OMIM 615221.

Submissions (3):

Fulgent Genetics
Classification: Likely pathogenic for Osteogenesis imperfecta type 15; OSTEOPOROSIS, EARLY-ONSET, SUSCEPTIBILITY TO. Last evaluated: 2024-05-06. Review status: criteria provided, single submitter. Criteria: ACMG Guidelines, 2015. Collection method: clinical testing. Allele origin: germline.

Women's Health and Genetics/Laboratory Corporation of America, LabCorp
Classification: Likely pathogenic for Osteogenesis imperfecta. Last evaluated: 2024-05-06. Review status: criteria provided, single submitter. Criteria: LabCorp Variant Classification Summary - May 2015. Collection method: clinical testing. Allele origin: germline.
Comment: Variant summary: WNT1 c.397G>A (p.Ala133Thr) results in a non-conservative amino acid change in the encoded protein sequence. Five of five in-silico tools predict a damaging effect of the variant on protein function. The variant was absent in 248842 control chromosomes. c.397G>A has been reported in the literature as a biallelic genotype in individuals affected with Osteogenesis Imperfecta (example, Lu_2018). These data indicate that the variant is likely to be associated with disease. To our knowledge, no experimental evidence demonstrating an impact on protein function has been reported. The following publication have been ascertained in the context of this evaluation (PMID: 29935254). No submitters have cited clinical-significance assessments for this variant to ClinVar. Based on the evidence outlined above, the variant was classified as likely pathogenic.

Juno Genomics, Hangzhou Juno Genomics, Inc
Classification: Likely pathogenic for Osteogenesis imperfecta type 15. Review status: criteria provided, single submitter. Criteria: ACMG Guidelines, 2015. Collection method: clinical testing. Allele origin: germline. Affected: yes.
Comment: Absent from controls (or at extremely low frequency if recessive) in Genome Aggregation Database.;Multiple lines of computational evidence support a deleterious effect on the gene or gene product.;For recessive disorders, detected in trans with a pathogenic variant.;Co-segregation with disease in multiple affected family members.;Patient's phenotype or family history is highly specific for a disease with a single genetic etiology.

Literature cited by the submitters: PubMed 29935254 (cited by Women's Health and Genetics/Laboratory Corporation of America, LabCorp).